The following is an entry in ClinVar:

ClinVar aggregate classification (germline): Benign/Likely benign. Review status: criteria provided, multiple submitters, no conflicts (2 of 4 stars). 4 submissions from 4 submitters: Benign (2); Likely benign (2). Last evaluated 2024-11-27.

Allele frequency attached by ClinVar (database versions not stated): gnomAD exomes 0.00119 and 0.00168; ESP Exome Variant Server 0.00162; ExAC 0.00193; gnomAD 0.00325 and 0.00328; TOPMed 0.00453; 1000 Genomes Project 0.00499; 1000 Genomes Project 30x 0.00515.
gnomAD v4.1: 2,340 of 1,600,040 alleles (0.15%); highest among the groups gnomAD compares: Middle Eastern, 1.2%; 7 homozygotes.

Submissions (4):

Blueprint Genetics
Classification: Likely benign. Last evaluated: 2024-11-27. Review status: criteria provided, single submitter. Criteria: ACMG Guidelines, 2015. Collection method: clinical testing. Allele origin: germline.

CeGaT Center for Human Genetics Tuebingen
Classification: Likely benign. Last evaluated: 2022-04-01. Review status: criteria provided, single submitter. Criteria: CeGaT Center For Human Genetics Tuebingen Variant Classification Criteria Version 2. Collection method: clinical testing. Allele origin: germline. Affected: yes. Observed: 1 variant allele.
Comment: ABCA7: BP4, BP7

Labcorp Genetics (formerly Invitae), Labcorp
Classification: Benign. Last evaluated: 2019-12-31. Review status: criteria provided, single submitter. Criteria: Invitae Variant Classification Sherloc (09022015). Collection method: clinical testing. Allele origin: germline.

Breakthrough Genomics
Classification: Benign. Review status: criteria provided, single submitter. Criteria: ACMG Guidelines, 2015. Collection method: not provided. Allele origin: germline. Inheritance: Autosomal dominant inheritance. Affected: yes.

NM_019112.4(ABCA7):c.2358C>T (p.Cys786=)

Gene: ABCA7 (ATP binding cassette subfamily A member 7; plus strand). Cytogenetic location: 19p13.3.
Variant type: single nucleotide variant.
Coding change: c.2358C>T on transcript NM_019112.4 (MANE Select); coding-DNA position 2358, C replaced by T.
Protein change: p.Cys786=; no amino-acid change (cysteine 786 retained).
Molecular consequence: synonymous variant.
Genome position (GRCh38, 1-based): chr19:1,048,983, C>T. VCF-style: chr19-1048983-C-T. GRCh37 (hg19) VCF-style: chr19-1048982-C-T.
Identifiers: ClinVar variation 778801 (VCV000778801.37), dbSNP rs9282560, ClinGen allele CA9033423.